The following is an entry in ClinVar:

ClinVar aggregate classification (germline): Uncertain significance (1 of 4 stars; one submission).

Conditions:
Amyotrophic lateral sclerosis type 4 (ALS4). Also called: AMYOTROPHIC LATERAL SCLEROSIS 4, JUVENILE; NEURONOPATHY, DISTAL HEREDITARY MOTOR, WITH PYRAMIDAL FEATURES. Identifiers: Orphanet 357043, MedGen C1865409, MONDO:0011223, OMIM 602433.
Spinocerebellar ataxia, autosomal recessive, with axonal neuropathy 2 (SCAN2). Also called: ATAXIA-OCULOMOTOR APRAXIA 2; Ataxia-ocular apraxia-2; Ataxia with Oculomotor Apraxia Type 2; Ataxia with Oculomotor Apraxia. Identifiers: Orphanet 64753, MedGen C1853761, MONDO:0018996, OMIM 606002.

Allele frequency attached by ClinVar (database versions not stated): gnomAD exomes below 0.00001.
gnomAD v4.1: 3 of 1,613,882 alleles (0.00019%); highest among the groups gnomAD compares: Non-Finnish European, 0.00025%; no homozygotes.

Submission:

Labcorp Genetics (formerly Invitae), Labcorp
Classification: Uncertain significance for Amyotrophic lateral sclerosis type 4; Spinocerebellar ataxia, autosomal recessive, with axonal neuropathy 2. Last evaluated: 2025-06-27. Review status: criteria provided, single submitter. Criteria: Invitae Variant Classification Sherloc (09022015). Collection method: clinical testing. Allele origin: germline.
Comment: This sequence change replaces alanine, which is neutral and non-polar, with proline, which is neutral and non-polar, at codon 771 of the SETX protein (p.Ala771Pro). This variant is not present in population databases (gnomAD no frequency). This variant has not been reported in the literature in individuals affected with SETX-related conditions. ClinVar contains an entry for this variant (Variation ID: 2941734). Invitae Evidence Modeling of protein sequence and biophysical properties (such as structural, functional, and spatial information, amino acid conservation, physicochemical variation, residue mobility, and thermodynamic stability) indicates that this missense variant is not expected to disrupt SETX protein function with a negative predictive value of 95%. In summary, the available evidence is currently insufficient to determine the role of this variant in disease. Therefore, it has been classified as a Variant of Uncertain Significance.

NM_015046.7(SETX):c.2311G>C (p.Ala771Pro)

Gene: SETX (senataxin; minus strand). Cytogenetic location: 9q34.13.
Variant type: single nucleotide variant.
Coding change: c.2311G>C on transcript NM_015046.7 (MANE Select); coding-DNA position 2311, G replaced by C.
Protein change: p.Ala771Pro; replaces alanine 771 with proline.
Molecular consequence: missense variant.
Genome position (GRCh38, 1-based): chr9:132,329,287, C>G on the plus strand (G>C on the coding strand, the complement: SETX is on the minus strand). VCF-style: chr9-132329287-C-G. GRCh37 (hg19) VCF-style: chr9-135204674-C-G.
Other names: c.2311G>C, p.Ala771Pro (NM_001351527.2, NM_001351528.2); short protein forms A771P.
Identifiers: ClinVar variation 2941734 (VCV002941734.3), dbSNP rs2539123201, ClinGen allele CA375336337.
Genomic context (GRCh38, chr9:132,329,287, plus strand): 5'-ACTTTGCACAGATTTCATCTTTCTGTACCTTAGTTTTTCGTTTTGAGGTTTTAGCAAGAG[C>G]ATCATCCTTTAAAGAGAAATCTTCATTCGATGTGGACACTTTTTCCAAAGCATCAGTGCT-3'
Protein context (NP_055861.3, residues 761-781): SNEDFSLKDD[Ala771Pro]LAKTSKRKTK